The following is an entry in ClinVar:

NM_152743.4(BRAT1):c.2067C>T (p.Thr689=)

Gene: BRAT1 (BRCA1 associated ATM activator 1; minus strand). Cytogenetic location: 7p22.3.
Variant type: single nucleotide variant.
Coding change: c.2067C>T on transcript NM_152743.4 (MANE Select); coding-DNA position 2067, C replaced by T.
Protein change: p.Thr689=; no amino-acid change (threonine 689 retained).
Molecular consequence: synonymous variant. On other transcripts: non-coding transcript variant (1).
Genome position (GRCh38, 1-based): chr7:2,538,468, G>A on the plus strand (C>T on the coding strand, the complement: BRAT1 is on the minus strand). VCF-style: chr7-2538468-G-A. GRCh37 (hg19) VCF-style: chr7-2578102-G-A.
Other names: c.2247C>T, p.Thr749= (NM_001350626.2); c.1542C>T, p.Thr514= (NM_001350627.2); c.2067C>T (NM_152743.3).
Identifiers: ClinVar variation 1621853 (VCV001621853.11), dbSNP rs199957832, ClinGen allele CA4127472.

ClinVar aggregate classification (germline): Likely benign. Review status: criteria provided, multiple submitters, no conflicts (2 of 4 stars). 3 submissions from 3 submitters: Likely benign (2). 1 of the submissions does not count toward it. Last evaluated 2026-01-28.

Conditions:
BRAT1-related disorder. Also called: BRAT1-related disorders; BRAT1-related condition.
Neonatal-onset encephalopathy with rigidity and seizures. Also called: Lethal neonatal spasticity-epileptic encephalopathy syndrome. Identifiers: Orphanet 435845, MedGen C3281029, MONDO:0013784, OMIM 614498.

Allele frequency attached by ClinVar (database versions not stated): gnomAD 0.00006; ExAC 0.00008; TOPMed 0.00008; gnomAD exomes 0.00010 and 0.00011.

Submissions (3):

Labcorp Genetics (formerly Invitae), Labcorp
Classification: Likely benign for Neonatal-onset encephalopathy with rigidity and seizures. Last evaluated: 2026-01-28. Review status: criteria provided, single submitter. Criteria: Invitae Variant Classification Sherloc (09022015). Collection method: clinical testing. Allele origin: germline.

Blueprint Genetics
Classification: Likely benign. Last evaluated: 2023-12-15. Review status: criteria provided, single submitter. Criteria: ACMG Guidelines, 2015. Collection method: clinical testing. Allele origin: germline.

PreventionGenetics, part of Exact Sciences
Classification: Likely benign for BRAT1-related condition. Last evaluated: 2024-07-09. Review status: no assertion criteria provided. Collection method: clinical testing. Allele origin: germline. Not counted in ClinVar's aggregate classification.
Comment: This variant is classified as likely benign based on ACMG/AMP sequence variant interpretation guidelines (Richards et al. 2015 PMID: 25741868, with internal and published modifications).